The following is an entry in ClinVar:

ClinVar aggregate classification (germline): Likely benign. Review status: criteria provided, multiple submitters, no conflicts (2 of 4 stars). 3 submissions from 3 submitters: Likely benign (2). 1 of the submissions does not count toward it. Last evaluated 2025-04-17.

Conditions:
Bardet-Biedl syndrome (BBS). Identifiers: Orphanet 110, MedGen C0752166, MONDO:0015229.
TRIM32-related disorder. Also called: TRIM32-related condition.

Allele frequency attached by ClinVar (database versions not stated): TOPMed below 0.00001; gnomAD exomes 0.00002.
gnomAD v4.1: 18 of 1,614,186 alleles (0.0011%); highest among the groups gnomAD compares: Non-Finnish European, 0.0015%; no homozygotes.

Submissions (3):

Labcorp Genetics (formerly Invitae), Labcorp
Classification: Likely benign for Bardet-Biedl syndrome. Last evaluated: 2025-04-17. Review status: criteria provided, single submitter. Criteria: Invitae Variant Classification Sherloc (09022015). Collection method: clinical testing. Allele origin: germline.

Blueprint Genetics
Classification: Likely benign. Last evaluated: 2022-09-07. Review status: criteria provided, single submitter. Criteria: ACMG Guidelines, 2015. Collection method: clinical testing. Allele origin: germline.

PreventionGenetics, part of Exact Sciences
Classification: Likely benign for TRIM32-related condition. Last evaluated: 2024-03-25. Review status: no assertion criteria provided. Collection method: clinical testing. Allele origin: germline. Not counted in ClinVar's aggregate classification.
Comment: This variant is classified as likely benign based on ACMG/AMP sequence variant interpretation guidelines (Richards et al. 2015 PMID: 25741868, with internal and published modifications).

NM_012210.4(TRIM32):c.1041G>A (p.Glu347=)

Genes: ASTN2 (astrotactin 2; minus strand), TRIM32 (tripartite motif containing 32; plus strand). Cytogenetic location: 9q33.1.
Variant type: single nucleotide variant.
Coding change: c.1041G>A on transcript NM_012210.4 (MANE Select); coding-DNA position 1041, G replaced by A.
Protein change: p.Glu347=; no amino-acid change (glutamic acid 347 retained).
Molecular consequence: synonymous variant. On other transcripts: intron variant (3).
Genome position (GRCh38, 1-based): chr9:116,698,783, G>A. VCF-style: chr9-116698783-G-A. GRCh37 (hg19) VCF-style: chr9-119461062-G-A.
Other names: c.1041G>A, p.Glu347= (NM_001099679.2, NM_001379048.1, NM_001379049.1 and 1 more transcripts); c.2653+26988C>T (NM_014010.5); c.2794+26988C>T (NM_001365069.1); c.2806+26988C>T (NM_001365068.1).
Identifiers: ClinVar variation 701692 (VCV000701692.11), dbSNP rs1588217225, ClinGen allele CA466916353.